The following is an entry in ClinVar:

ClinVar aggregate classification (germline): Pathogenic. Review status: criteria provided, single submitter (1 of 4 stars). 2 submissions from 2 submitters: Pathogenic (1). 1 of the submissions does not count toward it. Last evaluated 2024-06-20.

Conditions:
Nephropathic cystinosis (CTNS). Also called: CYSTINOSIN, DEFECT OF; LYSOSOMAL CYSTINE TRANSPORT PROTEIN, DEFECT OF; Abderhalden Lignac Kaufmann disease; Abderhalden-Kaufmann-Lignac syndrome. Identifiers: Orphanet 213, Orphanet 411629, MedGen C2931187, MONDO:0100151, OMIM 219800.
Cystinosis. Also called: Cystine diathesis; Cystine storage disease; Cystinoses. Identifiers: Orphanet 213, MedGen C4316899, MONDO:0016239.

Submissions (2):

Natera, Inc.
Classification: Pathogenic for Cystinosis. Last evaluated: 2024-06-20. Review status: criteria provided, single submitter. Criteria: Natera Variant Classification Schema (03/2026). Collection method: clinical testing. Allele origin: germline.
Comment: The c.320_323del variant in CTNS is a frameshift variant predicted to shift the reading frame beginning at codon 107 and leads to a stop codon 10 codons downstream. This variant is expected to result in nonsense mediated decay, truncation, or a dysfunctional protein product. This variant is rare in the general population with a frequency below the threshold expected for the associated phenotype(s). This variant has been observed in one or more individuals affected with the associated recessive disease, as either homozygous or compound heterozygous with a second variant (PMID: 19863563). Given the available evidence, this variant is classified as Pathogenic.

Counsyl
Classification: Likely pathogenic for Nephropathic cystinosis. Last evaluated: 2017-11-03. Review status: no assertion criteria provided. Collection method: clinical testing. Allele origin: unknown. Not counted in ClinVar's aggregate classification.

Literature cited by the submitters: PubMed 19863563 (cited by Natera, Inc. and Counsyl).

NM_004937.3(CTNS):c.320_323del (p.Asn107fs)

Genes: CTNS (cystinosin, lysosomal cystine transporter; plus strand), CTNS-AS1 (CTNS antisense RNA 1; minus strand). Cytogenetic location: 17p13.2.
Variant type: Deletion.
Coding change: c.320_323del on transcript NM_004937.3 (MANE Select); coding-DNA positions 320 to 323, 4 bases deleted (ATCA; older notation c.320_323delATCA).
Protein change: p.Asn107fs; shifts the reading frame from asparagine 107.
Molecular consequence: frameshift variant. On other transcripts: 5 prime UTR variant (4).
Genome position (GRCh38, 1-based): chr17:3,655,092-3,655,095, ATCA deleted; deleting any 4 consecutive bases within chr17:3,655,090-3,655,095 gives the same sequence; the c. name uses the placement nearest the transcript's 3' end. VCF-style (leftmost placement, unchanged base first): chr17-3655089-CCAAT-C. GRCh37 (hg19) VCF-style: chr17-3558383-CCAAT-C.
Other names: c.320_323del (NM_004937.2); c.320_323del, p.Asn107fs (NM_001031681.3, NM_001374492.1); c.-122_-119del (NM_001374493.1, NM_001374494.1, NM_001374495.1 and 1 more transcripts); c.320_323delATCA (NM_004937.2); short protein forms N107fs.
Identifiers: ClinVar variation 554790 (VCV000554790.3), dbSNP rs1555562830, ClinGen allele CA658824071.
Genomic context (GRCh38, chr17:3,655,089, plus strand): 5'-CTTTTCAAGTGACATCTCAAAATGTTGGACAACTTACTGTTTATCTACATGGAAATCACT[CCAAT>C]CAGACCGGGTAGGCTGGCCTCAGGGTGTGCGGGCCTCACGTGACAAGAAGGGGGCCGTGC-3'